The following is an entry in ClinVar:

NM_000059.4(BRCA2):c.4967C>T (p.Thr1656Ile)

Gene: BRCA2 (BRCA2 DNA repair associated; plus strand). Cytogenetic location: 13q13.1.
Variant type: single nucleotide variant.
Coding change: c.4967C>T on transcript NM_000059.4 (MANE Select); coding-DNA position 4967, C replaced by T.
Protein change: p.Thr1656Ile; replaces threonine 1656 with isoleucine.
Molecular consequence: missense variant.
Genome position (GRCh38, 1-based): chr13:32,339,322, C>T. VCF-style: chr13-32339322-C-T. GRCh37 (hg19) VCF-style: chr13-32913459-C-T.
Other names: short protein forms T1656I.
Identifiers: ClinVar variation 993094 (VCV000993094.15), dbSNP rs876659777, ClinGen allele CA387783815.

ClinVar aggregate classification (germline): Conflicting classifications of pathogenicity. Review status: criteria provided, conflicting classifications (1 of 4 stars). 5 submissions from 5 submitters: Uncertain significance (4); Likely benign (1). Last evaluated 2025-03-04.

Conditions:
Hereditary cancer-predisposing syndrome. Also called: Neoplastic Syndromes, Hereditary; Hereditary Cancer Syndrome; Tumor predisposition; Hereditary neoplastic syndrome. Identifiers: Orphanet 140162, MedGen C0027672, MeSH D009386, MONDO:0015356.
Hereditary breast ovarian cancer syndrome. Also called: Hereditary breast and ovarian cancer; Hereditary breast and ovarian cancer syndrome; Breast and ovarian cancer; BRCA1- and BRCA2-Associated Hereditary Breast and Ovarian Cancer; Hereditary breast and/or ovarian cancer syndrome; Hereditary breast and ovarian cancer syndrome (HBOC). Identifiers: Orphanet 145, MedGen C0677776, MeSH D061325, MONDO:0003582. Disease mechanism: loss of function.

Submissions (5):

Center for Genomic Medicine, Rigshospitalet, Copenhagen University Hospital
Classification: Uncertain significance. Last evaluated: 2025-03-04. Review status: criteria provided, single submitter. Criteria: ACMG Guidelines, 2015. Collection method: clinical testing. Allele origin: germline.

Ambry Genetics
Classification: Uncertain significance for Hereditary cancer-predisposing syndrome. Last evaluated: 2025-02-02. Review status: criteria provided, single submitter. Criteria: Ambry Variant Classification Scheme 2023. Collection method: clinical testing. Allele origin: germline.
Comment: The p.T1656I variant (also known as c.4967C>T), located in coding exon 10 of the BRCA2 gene, results from a C to T substitution at nucleotide position 4967. The threonine at codon 1656 is replaced by isoleucine, an amino acid with similar properties. This amino acid position is conserved. In addition, this alteration is predicted to be tolerated by in silico analysis. Based on the available evidence, the clinical significance of this variant remains unclear.

University of Washington Department of Laboratory Medicine, University of Washington
Classification: Likely benign for Hereditary cancer-predisposing syndrome. Last evaluated: 2023-03-23. Review status: criteria provided, single submitter. Criteria: Dines et al. (Genet Med. 2020). Collection method: curation. Allele origin: germline.
Comment: Missense variant in a coldspot region where missense variants are very unlikely to be pathogenic (PMID:31911673).

BRCA2 exon 11 coldspot. Reclassification based on statistical prior probability.

Labcorp Genetics (formerly Invitae), Labcorp
Classification: Uncertain significance for Hereditary breast ovarian cancer syndrome. Last evaluated: 2022-09-07. Review status: criteria provided, single submitter. Criteria: Invitae Variant Classification Sherloc (09022015). Collection method: clinical testing. Allele origin: germline.
Comment: In summary, the available evidence is currently insufficient to determine the role of this variant in disease. Therefore, it has been classified as a Variant of Uncertain Significance. Advanced modeling of protein sequence and biophysical properties (such as structural, functional, and spatial information, amino acid conservation, physicochemical variation, residue mobility, and thermodynamic stability) performed at Invitae indicates that this missense variant is not expected to disrupt BRCA2 protein function. ClinVar contains an entry for this variant (Variation ID: 993094). This variant has not been reported in the literature in individuals affected with BRCA2-related conditions. This variant is not present in population databases (gnomAD no frequency). This sequence change replaces threonine, which is neutral and polar, with isoleucine, which is neutral and non-polar, at codon 1656 of the BRCA2 protein (p.Thr1656Ile).

Quest Diagnostics Nichols Institute San Juan Capistrano
Classification: Uncertain significance. Last evaluated: 2020-02-06. Review status: criteria provided, single submitter. Criteria: Quest Diagnostics criteria. Collection method: clinical testing. Allele origin: unknown.